The following is an entry in ClinVar:

NM_015662.3(IFT172):c.3598G>T (p.Ala1200Ser)

Genes: IFT172 (intraflagellar transport 172; minus strand), LOC126806173 (BRD4-independent group 4 enhancer GRCh37_chr2:27676057-27677256; plus strand). Cytogenetic location: 2p23.3.
Variant type: single nucleotide variant.
Coding change: c.3598G>T on transcript NM_015662.3 (MANE Select); coding-DNA position 3598, G replaced by T.
Protein change: p.Ala1200Ser; replaces alanine 1200 with serine.
Molecular consequence: missense variant.
Genome position (GRCh38, 1-based): chr2:27,454,095, C>A on the plus strand (G>T on the coding strand, the complement: IFT172 is on the minus strand). VCF-style: chr2-27454095-C-A. GRCh37 (hg19) VCF-style: chr2-27676962-C-A.
Other names: c.3532G>T, p.Ala1178Ser (NM_001410739.1); short protein forms A1178S, A1200S.
Identifiers: ClinVar variation 2634048 (VCV002634048.4), dbSNP rs377521375, ClinGen allele CA1579923.

ClinVar aggregate classification (germline): Uncertain significance. Review status: criteria provided, multiple submitters, no conflicts (2 of 4 stars). 3 submissions from 3 submitters: Uncertain significance (2). 1 of the submissions does not count toward it. Last evaluated 2024-04-29.

Conditions:
Short-rib thoracic dysplasia 10 with or without polydactyly (SRTD10). Identifiers: Orphanet 474, MedGen C3810175, MONDO:0014284, OMIM 615630.
Retinitis pigmentosa 71 (RP71). Identifiers: Orphanet 791, MedGen C4225342, MONDO:0014618, OMIM 616394.
Bardet-Biedl syndrome 20. Identifiers: MedGen C4310707, MONDO:0023670, OMIM 619471, MONDO:0014926.
IFT172-related disorder. Also called: IFT172-related condition; IFT172-related disorders.

Allele frequency attached by ClinVar (database versions not stated): ESP Exome Variant Server 0.00008.
gnomAD v4.1: 25 of 1,613,976 alleles (0.0015%); highest among the groups gnomAD compares: Non-Finnish European, 0.0021%; no homozygotes.

Submissions (3):

Fulgent Genetics
Classification: Uncertain significance for Short-rib thoracic dysplasia 10 with or without polydactyly; Retinitis pigmentosa 71; Bardet-Biedl syndrome 20. Last evaluated: 2024-04-29. Review status: criteria provided, single submitter. Criteria: ACMG Guidelines, 2015. Collection method: clinical testing. Allele origin: germline.

Blueprint Genetics
Classification: Uncertain significance. Last evaluated: 2020-08-11. Review status: criteria provided, single submitter. Criteria: ACMG Guidelines, 2015. Collection method: clinical testing. Allele origin: germline.

PreventionGenetics, part of Exact Sciences
Classification: Uncertain significance for IFT172-related condition. Last evaluated: 2024-07-16. Review status: no assertion criteria provided. Collection method: clinical testing. Allele origin: germline. Not counted in ClinVar's aggregate classification.
Comment: The IFT172 c.3598G>T variant is predicted to result in the amino acid substitution p.Ala1200Ser. To our knowledge, this variant has not been reported in the literature. This variant is reported in 0.0039% of alleles in individuals of European (Non-Finnish) descent in gnomAD. At this time, the clinical significance of this variant is uncertain due to the absence of conclusive functional and genetic evidence.